The following is an entry in ClinVar:

ClinVar aggregate classification (germline): Benign/Likely benign. Review status: criteria provided, multiple submitters, no conflicts (2 of 4 stars). 8 submissions from 8 submitters: Benign (1); Likely benign (7). Last evaluated 2025-07-31.

Conditions:
Classic or attenuated familial adenomatous polyposis. Identifiers: MedGen CN372698, MONDO:0021057.
Hereditary cancer-predisposing syndrome. Also called: Neoplastic Syndromes, Hereditary; Hereditary neoplastic syndrome; Hereditary Cancer Syndrome; Tumor predisposition. Identifiers: Orphanet 140162, MedGen C0027672, MeSH D009386, MONDO:0015356.
Familial adenomatous polyposis 1 (FAP1). Also called: POLYPOSIS, ADENOMATOUS INTESTINAL; FAMILIAL ADENOMATOUS POLYPOSIS 1, ATTENUATED. Identifiers: MedGen C2713442, MONDO:0021056, OMIM 175100. Disease mechanism: loss of function.

Allele frequency attached by ClinVar (database versions not stated): TOPMed below 0.00001; gnomAD exomes 0.00001.
gnomAD v4.1: 12 of 1,614,104 alleles (0.00074%); highest among the groups gnomAD compares: Non-Finnish European, 0.00093%; no homozygotes.

Submissions (8):

Labcorp Genetics (formerly Invitae), Labcorp
Classification: Likely benign for Familial adenomatous polyposis 1. Last evaluated: 2025-07-31. Review status: criteria provided, single submitter. Criteria: Invitae Variant Classification Sherloc (09022015). Collection method: clinical testing. Allele origin: germline.

Center for Genomic Medicine, Rigshospitalet, Copenhagen University Hospital
Classification: Likely benign. Last evaluated: 2025-03-04. Review status: criteria provided, single submitter. Criteria: ACMG Guidelines, 2015. Collection method: clinical testing. Allele origin: germline.

Myriad Genetics, Inc.
Classification: Benign for Familial adenomatous polyposis 1. Last evaluated: 2024-03-28. Review status: criteria provided, single submitter. Criteria: Myriad Autosomal Dominant, Autosomal Recessive and X-Linked Classification Criteria (2023). Collection method: clinical testing. Allele origin: unknown.
Comment: This variant is considered benign. This variant is a silent/synonymous amino acid change and it is not expected to impact splicing.

All of Us Research Program, National Institutes of Health
Classification: Likely benign for Classic or attenuated familial adenomatous polyposis. Last evaluated: 2023-11-30. Review status: criteria provided, single submitter. Criteria: ACMG Guidelines, 2015. Collection method: clinical testing. Allele origin: germline. Inheritance: Autosomal dominant inheritance. Observed: 2 variant alleles, 2 heterozygotes.
Comment: This study involves interpretation of variants in research participants for the purpose of population health screening. Participant phenotype was not available at the time of variant classification. Additional details can be found in publication PMID: 35346344, PMCID: PMC8962531

Blueprint Genetics
Classification: Likely benign. Last evaluated: 2023-05-24. Review status: criteria provided, single submitter. Criteria: ACMG Guidelines, 2015. Collection method: clinical testing. Allele origin: germline.

Color Diagnostics, LLC DBA Color Health
Classification: Likely benign for Hereditary cancer-predisposing syndrome. Last evaluated: 2021-05-17. Review status: criteria provided, single submitter. Criteria: ACMG Guidelines, 2015. Collection method: clinical testing. Allele origin: germline.

Women's Health and Genetics/Laboratory Corporation of America, LabCorp
Classification: Likely benign. Last evaluated: 2019-08-20. Review status: criteria provided, single submitter. Criteria: LabCorp Variant Classification Summary - May 2015. Collection method: clinical testing. Allele origin: germline.

Ambry Genetics
Classification: Likely benign for Hereditary cancer-predisposing syndrome. Last evaluated: 2015-04-28. Review status: criteria provided, single submitter. Criteria: Ambry Variant Classification Scheme 2023. Collection method: clinical testing. Allele origin: germline.

NM_000038.6(APC):c.4902G>A (p.Pro1634=)

Gene: APC (APC regulator of Wnt signaling pathway; plus strand). Cytogenetic location: 5q22.2.
Variant type: single nucleotide variant.
Coding change: c.4902G>A on transcript NM_000038.6 (MANE Select); coding-DNA position 4902, G replaced by A.
Protein change: p.Pro1634=; no amino-acid change (proline 1634 retained).
Molecular consequence: synonymous variant.
Genome position (GRCh38, 1-based): chr5:112,840,496, G>A. VCF-style: chr5-112840496-G-A. GRCh37 (hg19) VCF-style: chr5-112176193-G-A.
Other names: c.4902G>A, p.Pro1634= (NM_001127510.3, NM_001354895.2); c.4848G>A, p.Pro1616= (NM_001127511.3); c.4956G>A, p.Pro1652= (NM_001354896.2); c.4932G>A, p.Pro1644= (NM_001354897.2); c.4827G>A, p.Pro1609= (NM_001354898.2); c.4818G>A, p.Pro1606= (NM_001354899.2); c.4779G>A, p.Pro1593= (NM_001354900.2); c.4725G>A, p.Pro1575= (NM_001354901.2); and 5 more.
Identifiers: ClinVar variation 231514 (VCV000231514.24), dbSNP rs876659202, ClinGen allele CA10578385.
Genomic context (GRCh38, chr5:112,840,496, plus strand): 5'-GTACAAACTTCTACCATCACAAAACAGGTTGCAACCCCAAAAGCATGTTAGTTTTACACC[G>A]GGGGATGATATGCCACGGGTGTATTGTGTTGAAGGGACACCTATAAACTTTTCCACAGCT-3'
Protein context (NP_000029.2, residues 1624-1644): LQPQKHVSFT[Pro1634=]GDDMPRVYCV